The following is an entry in ClinVar:

NM_001035.3(RYR2):c.10557G>T (p.Leu3519Phe)

Gene: RYR2 (ryanodine receptor 2; plus strand). Cytogenetic location: 1q43.
Variant type: single nucleotide variant.
Coding change: c.10557G>T on transcript NM_001035.3 (MANE Select); coding-DNA position 10557, G replaced by T.
Protein change: p.Leu3519Phe; replaces leucine 3519 with phenylalanine.
Molecular consequence: missense variant.
Genome position (GRCh38, 1-based): chr1:237,723,130, G>T. VCF-style: chr1-237723130-G-T. GRCh37 (hg19) VCF-style: chr1-237886430-G-T.
Other names: short protein forms L3519F.
Identifiers: ClinVar variation 229208 (VCV000229208.13), dbSNP rs558910032, ClinGen allele CA084413.

ClinVar aggregate classification (germline): Uncertain significance. Review status: criteria provided, multiple submitters, no conflicts (2 of 4 stars). 4 submissions from 4 submitters: Uncertain significance (4). Last evaluated 2025-02-05.

Conditions:
Catecholaminergic polymorphic ventricular tachycardia (CVPT). Also called: Catecholamine-induced polymorphic ventricular tachycardia. Identifiers: Orphanet 3286, MedGen C5574922, MONDO:0017990.
Cardiomyopathy (CMYO). Also called: Cardiomyopathies. Identifiers: Orphanet 167848, MedGen C0878544, MONDO:0004994, HP:0001638. Inheritance: Various modes of inheritance.
Catecholaminergic polymorphic ventricular tachycardia 1. Also called: VENTRICULAR TACHYCARDIA, STRESS-INDUCED POLYMORPHIC 1; RYR2-Related Catecholaminergic Polymorphic Ventricular Tachycardia; VENTRICULAR TACHYCARDIA, CATECHOLAMINERGIC POLYMORPHIC, 1, WITH OR WITHOUT ATRIAL DYSFUNCTION AND/OR DILATED CARDIOMYOPATHY. Identifiers: Orphanet 3286, MedGen C1631597, MONDO:0011484, OMIM 604772.

Allele frequency attached by ClinVar (database versions not stated): gnomAD 0.00001; ExAC 0.00002; gnomAD exomes 0.00002; 1000 Genomes Project 0.00020; 1000 Genomes Project 30x 0.00031.
gnomAD v4.1: 9 of 1,601,732 alleles (0.00056%); highest among the groups gnomAD compares: South Asian, 0.01%; no homozygotes.

Submissions (4):

Labcorp Genetics (formerly Invitae), Labcorp
Classification: Uncertain significance for Catecholaminergic polymorphic ventricular tachycardia 1. Last evaluated: 2025-02-05. Review status: criteria provided, single submitter. Criteria: Invitae Variant Classification Sherloc (09022015). Collection method: clinical testing. Allele origin: germline.
Comment: This sequence change replaces leucine, which is neutral and non-polar, with phenylalanine, which is neutral and non-polar, at codon 3519 of the RYR2 protein (p.Leu3519Phe). This variant is present in population databases (rs558910032, gnomAD 0.01%). This variant has not been reported in the literature in individuals affected with RYR2-related conditions. ClinVar contains an entry for this variant (Variation ID: 229208). An algorithm developed to predict the effect of missense changes on protein structure and function (PolyPhen-2) suggests that this variant is likely to be tolerated. In summary, the available evidence is currently insufficient to determine the role of this variant in disease. Therefore, it has been classified as a Variant of Uncertain Significance.

All of Us Research Program, National Institutes of Health
Classification: Uncertain significance for Catecholaminergic polymorphic ventricular tachycardia. Last evaluated: 2023-12-01. Review status: criteria provided, single submitter. Criteria: ACMG Guidelines, 2015. Collection method: clinical testing. Allele origin: germline. Inheritance: Autosomal dominant inheritance. Observed: 2 variant alleles, 2 heterozygotes.
Comment: This variant is located in the RYR2 protein. Computational prediction suggests that this variant may not impact protein structure and function (internally defined REVEL score threshold <= 0.5, PMID: 27666373). To our knowledge, functional studies have not been reported for this variant. This variant has not been reported in individuals affected with cardiovascular disorders in the literature. This variant has been identified in 4/238114 chromosomes in the general population by the Genome Aggregation Database (gnomAD). The available evidence is insufficient to determine the role of this variant in disease conclusively. Therefore, this variant is classified as a Variant of Uncertain Significance.

This study involves interpretation of variants in research participants for the purpose of population health screening. Participant phenotype was not available at the time of variant classification. Additional details can be found in publication PMID: 35346344, PMCID: PMC8962531

Color Diagnostics, LLC DBA Color Health
Classification: Uncertain significance for Cardiomyopathy. Last evaluated: 2023-04-21. Review status: criteria provided, single submitter. Criteria: ACMG Guidelines, 2015. Collection method: clinical testing. Allele origin: germline.
Comment: This variant is located in the RYR2 protein. Computational prediction suggests that this variant may not impact protein structure and function (internally defined REVEL score threshold <= 0.5, PMID: 27666373). To our knowledge, functional studies have not been reported for this variant. This variant has not been reported in individuals affected with RYR2-related disorders in the literature. This variant has been identified in 4/238114 chromosomes in the general population by the Genome Aggregation Database (gnomAD). The available evidence is insufficient to determine the role of this variant in disease conclusively. Therefore, this variant is classified as a Variant of Uncertain Significance.

Laboratory for Molecular Medicine, Mass General Brigham Personalized Medicine
Classification: Uncertain significance. Last evaluated: 2015-06-24. Review status: criteria provided, single submitter. Criteria: LMM Criteria. Collection method: clinical testing. Allele origin: germline. Observed: 1 variant allele.
Comment: The p.Leu3519Phe variant in RYR2 has not been previously reported in individuals with cardiomyopathy, but has been identified in 2/16162 South Asian chromosomes by the Exome Aggregation Consortium (ExAC; dbSN P rs558910032). Computational prediction tools and conservation analysis do not provide strong support for or against an impact to the protein. In summary, the clinical significance of the p.Leu3519Phe variant is uncertain.